The following is an entry in ClinVar:

ClinVar aggregate classification (germline): Uncertain significance (1 of 4 stars; one submission).

Conditions:
Ehlers-Danlos syndrome, classic type, 1 (EDSCL1). Also called: EHLERS-DANLOS SYNDROME, GRAVIS TYPE; EHLERS-DANLOS SYNDROME, SEVERE CLASSIC TYPE; Ehlers-Danlos syndrome, type 1; Ehlers-Danlos Syndrome, Classic Type, COL5A1-Related; EDS I. Identifiers: MedGen C0268335, MONDO:0019567, OMIM 130000.

Submission:

Labcorp Genetics (formerly Invitae), Labcorp
Classification: Uncertain significance for Ehlers-Danlos syndrome, classic type, 1. Last evaluated: 2024-03-09. Review status: criteria provided, single submitter. Criteria: Invitae Variant Classification Sherloc (09022015). Collection method: clinical testing. Allele origin: germline.
Comment: This sequence change replaces methionine, which is neutral and non-polar, with valine, which is neutral and non-polar, at codon 755 of the COL5A1 protein (p.Met755Val). This variant is not present in population databases (gnomAD no frequency). This variant has not been reported in the literature in individuals affected with COL5A1-related conditions. Advanced modeling of protein sequence and biophysical properties (such as structural, functional, and spatial information, amino acid conservation, physicochemical variation, residue mobility, and thermodynamic stability) performed at Invitae indicates that this missense variant is not expected to disrupt COL5A1 protein function with a negative predictive value of 95%. In summary, the available evidence is currently insufficient to determine the role of this variant in disease. Therefore, it has been classified as a Variant of Uncertain Significance.

NM_000093.5(COL5A1):c.2263A>G (p.Met755Val)

Gene: COL5A1 (collagen type V alpha 1 chain; plus strand). Cytogenetic location: 9q34.3.
Variant type: single nucleotide variant.
Coding change: c.2263A>G on transcript NM_000093.5 (MANE Select); coding-DNA position 2263, A replaced by G.
Protein change: p.Met755Val; replaces methionine 755 with valine.
Molecular consequence: missense variant.
Genome position (GRCh38, 1-based): chr9:134,768,440, A>G. VCF-style: chr9-134768440-A-G. GRCh37 (hg19) VCF-style: chr9-137660286-A-G.
Other names: c.2263A>G, p.Met755Val (NM_001278074.1); short protein forms M755V.
Identifiers: ClinVar variation 3644419 (VCV003644419.2).
Genomic context (GRCh38, chr9:134,768,440, plus strand): 5'-TCTCCTCATGGAGTCTCTGGTTTGTTCTAGGGTCCCTTGGGGAAACCAGGCCTTCCAGGA[A>G]TGCCCGGTGCTGACGGACCCCCGGTGAGTAGCCCTGCCCACCTCATCCCTCCATACTCTC-3'
Protein context (NP_000084.3, residues 745-765): GPLGKPGLPG[Met755Val]PGADGPPGHP